The following is an entry in ClinVar:

NM_020911.2(PLXNA4):c.89C>T (p.Pro30Leu)

Gene: PLXNA4 (plexin A4; minus strand). Cytogenetic location: 7q32.3.
Variant type: single nucleotide variant.
Coding change: c.89C>T on transcript NM_020911.2 (MANE Select); coding-DNA position 89, C replaced by T.
Protein change: p.Pro30Leu; replaces proline 30 with leucine.
Molecular consequence: missense variant.
Genome position (GRCh38, 1-based): chr7:132,508,605, G>A on the plus strand (C>T on the coding strand, the complement: PLXNA4 is on the minus strand). VCF-style: chr7-132508605-G-A. GRCh37 (hg19) VCF-style: chr7-132193364-G-A.
Other names: c.89C>T, p.Pro30Leu (NM_001105543.2, NM_001393897.1, NM_181775.4); short protein forms P30L.
Identifiers: ClinVar variation 4990465 (VCV004990465.1).

ClinVar aggregate classification (germline): Uncertain significance (1 of 4 stars; one submission).

Conditions:
PLXNA4-related disorder. Also called: PLXNA4-related condition.

gnomAD v4.1: 1 of 1,612,892 alleles (0.000062%); highest among the groups gnomAD compares: South Asian, 0.0011%; no homozygotes.

Submission:

PreventionGenetics, part of Exact Sciences
Classification: Uncertain significance for PLXNA4-related condition. Last evaluated: 2025-04-28. Review status: criteria provided, single submitter. Criteria: ACMG Guidelines, 2015. Collection method: clinical testing. Allele origin: germline.
Comment: The PLXNA4 c.89C>T variant is predicted to result in the amino acid substitution p.Pro30Leu. To our knowledge, this variant has not been reported in the literature or in a large population database, indicating this variant is rare. At this time, the clinical significance of this variant is uncertain due to the absence of conclusive functional and genetic evidence.